The following is an entry in ClinVar:

ClinVar aggregate classification (germline): Uncertain significance (1 of 4 stars; one submission).

Conditions:
Isolated microphthalmia 4. Identifiers: Orphanet 2542, MedGen C2751307, MONDO:0013130, OMIM 613094.
Leber congenital amaurosis 17 (LCA17). Identifiers: Orphanet 65, MedGen C3715164, MONDO:0014145, OMIM 615360.
Microphthalmia, isolated, with coloboma 6 (MCOPCB6). Also called: Microphthalmia with coloboma 6, digenic; Microphthalmia with coloboma 6; MICROPHTHALMIA/COLOBOMA 6. Identifiers: Orphanet 98938, MedGen C3150968, MONDO:0013376, OMIM 613703.
Klippel-Feil syndrome 1, autosomal dominant (KFS1). Also called: CERVICAL VERTEBRAL FUSION, AUTOSOMAL DOMINANT. Identifiers: Orphanet 2345, MedGen C1861689, MONDO:0007306, OMIM 118100.

Allele frequency attached by ClinVar (database versions not stated): gnomAD exomes below 0.00001.
gnomAD v4.1: 1 of 1,614,154 alleles (0.000062%); highest among the groups gnomAD compares: Non-Finnish European, 0.000085%; no homozygotes.

Submission:

Labcorp Genetics (formerly Invitae), Labcorp
Classification: Uncertain significance for Isolated microphthalmia 4; Leber congenital amaurosis 17; Klippel-Feil syndrome 1, autosomal dominant; Microphthalmia, isolated, with coloboma 6. Last evaluated: 2022-06-27. Review status: criteria provided, single submitter. Criteria: Invitae Variant Classification Sherloc (09022015). Collection method: clinical testing. Allele origin: germline.
Comment: In summary, the available evidence is currently insufficient to determine the role of this variant in disease. Therefore, it has been classified as a Variant of Uncertain Significance. Algorithms developed to predict the effect of missense changes on protein structure and function are either unavailable or do not agree on the potential impact of this missense change (SIFT: "Tolerated"; PolyPhen-2: "Probably Damaging"; Align-GVGD: "Class C0"). This variant has not been reported in the literature in individuals affected with GDF6-related conditions. This variant is not present in population databases (gnomAD no frequency). This sequence change replaces histidine, which is basic and polar, with tyrosine, which is neutral and polar, at codon 95 of the GDF6 protein (p.His95Tyr).

NM_001001557.4(GDF6):c.283C>T (p.His95Tyr)

Gene: GDF6 (growth differentiation factor 6; minus strand). Cytogenetic location: 8q22.1.
Variant type: single nucleotide variant.
Coding change: c.283C>T on transcript NM_001001557.4 (MANE Select); coding-DNA position 283, C replaced by T.
Protein change: p.His95Tyr; replaces histidine 95 with tyrosine.
Molecular consequence: missense variant.
Genome position (GRCh38, 1-based): chr8:96,160,410, G>A on the plus strand (C>T on the coding strand, the complement: GDF6 is on the minus strand). VCF-style: chr8-96160410-G-A. GRCh37 (hg19) VCF-style: chr8-97172638-G-A.
Other names: short protein forms H95Y.
Identifiers: ClinVar variation 1435314 (VCV001435314.8), dbSNP rs2130237638, ClinGen allele CA371753579.